The following is an entry in ClinVar:

NM_004336.5(BUB1):c.2125G>A (p.Glu709Lys)

Gene: BUB1 (BUB1 mitotic checkpoint serine/threonine kinase; minus strand). Cytogenetic location: 2q13.
Variant type: single nucleotide variant.
Coding change: c.2125G>A on transcript NM_004336.5 (MANE Select); coding-DNA position 2125, G replaced by A.
Protein change: p.Glu709Lys; replaces glutamic acid 709 with lysine.
Molecular consequence: missense variant.
Genome position (GRCh38, 1-based): chr2:110,650,624, C>T on the plus strand (G>A on the coding strand, the complement: BUB1 is on the minus strand). VCF-style: chr2-110650624-C-T. GRCh37 (hg19) VCF-style: chr2-111408201-C-T.
Other names: c.2065G>A, p.Glu689Lys (NM_001278616.2); c.2125G>A, p.Glu709Lys (NM_001278617.2); short protein forms E709K, E689K.
Identifiers: ClinVar variation 1786312 (VCV001786312.3), dbSNP rs2467990764, ClinGen allele CA348209850.

ClinVar aggregate classification (germline): Uncertain significance (1 of 4 stars; one submission).

Submission:

Ambry Genetics
Classification: Uncertain significance. Last evaluated: 2024-06-06. Review status: criteria provided, single submitter. Criteria: Ambry Variant Classification Scheme 2023. Collection method: clinical testing. Allele origin: germline.
Comment: The p.E709K variant (also known as c.2125G>A), located in coding exon 18 of the BUB1 gene, results from a G to A substitution at nucleotide position 2125. The glutamic acid at codon 709 is replaced by lysine, an amino acid with similar properties. This amino acid position is conserved. In addition, this alteration is predicted to be tolerated by in silico analysis. Since supporting evidence is limited at this time, the clinical significance of this alteration remains unclear.